The following is an entry in ClinVar:

NM_001252024.2(TRPM1):c.1295G>C (p.Ser432Thr)

Gene: TRPM1 (transient receptor potential cation channel subfamily M member 1; minus strand). Cytogenetic location: 15q13.3.
Variant type: single nucleotide variant.
Coding change: c.1295G>C on transcript NM_001252024.2 (MANE Select); coding-DNA position 1295, G replaced by C.
Protein change: p.Ser432Thr; replaces serine 432 with threonine.
Molecular consequence: missense variant.
Genome position (GRCh38, 1-based): chr15:31,050,551, C>G on the plus strand (G>C on the coding strand, the complement: TRPM1 is on the minus strand). VCF-style: chr15-31050551-C-G. GRCh37 (hg19) VCF-style: chr15-31342754-C-G.
Other names: c.1346G>C (NM_001252020.1); c.1229G>C (NM_002420.4); c.1346G>C, p.Ser449Thr (NM_001252020.2); c.1229G>C, p.Ser410Thr (NM_002420.6); short protein forms S449T, S432T, S410T.
Identifiers: ClinVar variation 957703 (VCV000957703.11), dbSNP rs183906248, ClinGen allele CA7452600.

ClinVar aggregate classification (germline): Conflicting classifications of pathogenicity. Review status: criteria provided, conflicting classifications (1 of 4 stars). 4 submissions from 4 submitters: Uncertain significance (2); Benign (1); Likely benign (1). Last evaluated 2026-08-26.

Conditions:
Inborn genetic diseases. Identifiers: MedGen C0950123, MeSH D030342.
TRPM1-related disorder. Also called: TRPM1-related condition.

Allele frequency attached by ClinVar (database versions not stated): gnomAD exomes 0.00002 and 0.00005; ExAC 0.00007; ESP Exome Variant Server 0.00016; 1000 Genomes Project 0.00020; gnomAD 0.00025 and 0.00026; TOPMed 0.00027; 1000 Genomes Project 30x 0.00031.
gnomAD v4.1: 66 of 1,614,084 alleles (0.0041%); highest among the groups gnomAD compares: African/African-American, 0.083%; no homozygotes.

Submissions (4):

PreventionGenetics, part of Exact Sciences
Classification: Uncertain significance for TRPM1-related condition. Last evaluated: 2026-08-26. Review status: criteria provided, single submitter. Criteria: ACMG Guidelines, 2015. Collection method: clinical testing. Allele origin: germline.
Comment: The TRPM1 c.1346G>C variant is predicted to result in the amino acid substitution p.Ser449Thr. To our knowledge, this variant has not been reported in the literature. This variant is reported in 0.074% of alleles in individuals of African descent in gnomAD, which may be too frequent to be a primary cause of disease. Although we suspect that this variant may be benign, at this time, the clinical significance of this variant is uncertain due to the absence of conclusive functional and genetic evidence.

Labcorp Genetics (formerly Invitae), Labcorp
Classification: Likely benign. Last evaluated: 2025-09-29. Review status: criteria provided, single submitter. Criteria: Invitae Variant Classification Sherloc (09022015). Collection method: clinical testing. Allele origin: germline.

Ambry Genetics
Classification: Uncertain significance for Inborn genetic diseases. Last evaluated: 2024-12-07. Review status: criteria provided, single submitter. Criteria: Ambry Variant Classification Scheme 2023. Collection method: clinical testing. Allele origin: germline.

Blueprint Genetics
Classification: Benign. Last evaluated: 2024-06-26. Review status: criteria provided, single submitter. Criteria: ACMG Guidelines, 2015. Collection method: clinical testing. Allele origin: germline.